The following is an entry in ClinVar:

ClinVar aggregate classification (germline): Likely benign (1 of 4 stars; one submission).

Conditions:
SCAPER-related disorder. Also called: SCAPER-related condition.

gnomAD v4.1: 2 of 1,506,118 alleles (0.00013%); highest among the groups gnomAD compares: Non-Finnish European, 0.00018%; no homozygotes.

Submission:

PreventionGenetics, part of Exact Sciences
Classification: Likely benign for SCAPER-related condition. Last evaluated: 2025-08-22. Review status: criteria provided, single submitter. Criteria: ACMG Guidelines, 2015. Collection method: clinical testing. Allele origin: germline.
Comment: This variant is classified as likely benign based on ACMG/AMP sequence variant interpretation guidelines (Richards et al. 2015 PMID: 25741868, with internal and published modifications).

NM_020843.4(SCAPER):c.7-7T>C

Gene: SCAPER (S-phase cyclin A associated protein in the ER; minus strand). Cytogenetic location: 15q24.3.
Variant type: single nucleotide variant.
Coding change: c.7-7T>C on transcript NM_020843.4 (MANE Select); 7 bases into the intron before coding-DNA position 7, T replaced by C.
Molecular consequence: intron variant.
Genome position (GRCh38, 1-based): chr15:76,862,540, A>G on the plus strand (T>C on the coding strand, the complement: SCAPER is on the minus strand). VCF-style: chr15-76862540-A-G. GRCh37 (hg19) VCF-style: chr15-77154881-A-G.
Other names: c.-514-7T>C (NM_001353011.2); c.-396-7T>C (NM_001353012.2); c.7-7T>C (NM_001353009.2); c.-451-7T>C (NM_001353010.2).
Identifiers: ClinVar variation 4988785 (VCV004988785.1).